The following is an entry in ClinVar:

ClinVar aggregate classification (germline): Likely benign. Review status: criteria provided, single submitter (1 of 4 stars). 2 submissions from 2 submitters: Likely benign (1). 1 of the submissions does not count toward it. Last evaluated 2025-12-30.

Conditions:
TMEM67-related disorder. Also called: TMEM67-related condition; TMEM67-related disorders. Identifiers: MedGen CN239423.
Joubert syndrome. Also called: JOUBERT-BOLTSHAUSER SYNDROME; Familial aplasia of the vermis. Identifiers: Orphanet 475, MedGen C5979921, MONDO:0018772.
Meckel-Gruber syndrome. Also called: DYSENCEPHALIA SPLANCHNOCYSTICA; GRUBER SYNDROME; Dysencephalia splachnocystica. Identifiers: Orphanet 564, MedGen C0265215, MONDO:0018921.

gnomAD v4.1: 2 of 1,575,270 alleles (0.00013%); highest among the groups gnomAD compares: Non-Finnish European, 0.00017%; no homozygotes.

Submissions (2):

Labcorp Genetics (formerly Invitae), Labcorp
Classification: Likely benign for Joubert syndrome; Meckel-Gruber syndrome. Last evaluated: 2025-12-30. Review status: criteria provided, single submitter. Criteria: Invitae Variant Classification Sherloc (09022015). Collection method: clinical testing. Allele origin: germline.

PreventionGenetics, part of Exact Sciences
Classification: Likely benign for TMEM67-related condition. Last evaluated: 2024-07-30. Review status: no assertion criteria provided. Collection method: clinical testing. Allele origin: germline. Not counted in ClinVar's aggregate classification.
Comment: This variant is classified as likely benign based on ACMG/AMP sequence variant interpretation guidelines (Richards et al. 2015 PMID: 25741868, with internal and published modifications).

NM_153704.6(TMEM67):c.1774-6T>A

Gene: TMEM67 (transmembrane protein 67; plus strand). Cytogenetic location: 8q22.1.
Variant type: single nucleotide variant.
Coding change: c.1774-6T>A on transcript NM_153704.6 (MANE Select); 6 bases into the intron before coding-DNA position 1774, T replaced by A.
Molecular consequence: intron variant.
Genome position (GRCh38, 1-based): chr8:93,795,895, T>A. VCF-style: chr8-93795895-T-A. GRCh37 (hg19) VCF-style: chr8-94808123-T-A.
Other names: c.1531-6T>A (NM_001142301.1).
Identifiers: ClinVar variation 3357421 (VCV003357421.2).